The following is an entry in ClinVar:

NM_000179.3(MSH6):c.2662A>T (p.Lys888Ter)

Gene: MSH6 (mutS homolog 6; plus strand). Cytogenetic location: 2p16.3.
Variant type: single nucleotide variant.
Coding change: c.2662A>T on transcript NM_000179.3 (MANE Select); coding-DNA position 2662, A replaced by T.
Protein change: p.Lys888Ter; replaces lysine 888 with a stop codon.
Molecular consequence: nonsense.
Genome position (GRCh38, 1-based): chr2:47,800,645, A>T. VCF-style: chr2-47800645-A-T. GRCh37 (hg19) VCF-style: chr2-48027784-A-T.
Other names: c.2272A>T, p.Lys758Ter (NM_001281492.2); c.1756A>T, p.Lys586Ter (NM_001281493.2, NM_001281494.2); short protein forms K586*, K888*, K758*.
Identifiers: ClinVar variation 821595 (VCV000821595.10), dbSNP rs1572728039, ClinGen allele CA346755207.
Genomic context (GRCh38, chr2:47,800,645, plus strand): 5'-ATGTGTAAAATTATAGGGATCATGGAAGAAGTTGCTGATGGTTTTAAGTCTAAAATCCTT[A>T]AGCAGGTCATCTCTCTGCAGACAAAAAATCCTGAAGGTCGTTTTCCTGATTTGACTGTAG-3'

ClinVar aggregate classification (germline): Pathogenic. Review status: criteria provided, multiple submitters, no conflicts (2 of 4 stars). 2 submissions from 2 submitters: Pathogenic (2). Last evaluated 2024-05-21.

Conditions:
Hereditary nonpolyposis colorectal neoplasms. Identifiers: MedGen C0009405, MeSH D003123.
Hereditary cancer-predisposing syndrome. Also called: Tumor predisposition; Hereditary Cancer Syndrome; Neoplastic Syndromes, Hereditary; Hereditary neoplastic syndrome. Identifiers: Orphanet 140162, MedGen C0027672, MeSH D009386, MONDO:0015356.

gnomAD v4.1: 1 of 1,614,214 alleles (0.000062%); highest among the groups gnomAD compares: Non-Finnish European, 0.000085%; no homozygotes.

Submissions (2):

Labcorp Genetics (formerly Invitae), Labcorp
Classification: Pathogenic for Hereditary nonpolyposis colorectal neoplasms. Last evaluated: 2024-05-21. Review status: criteria provided, single submitter. Criteria: Invitae Variant Classification Sherloc (09022015). Collection method: clinical testing. Allele origin: germline.
Comment: This sequence change creates a premature translational stop signal (p.Lys888*) in the MSH6 gene. It is expected to result in an absent or disrupted protein product. Loss-of-function variants in MSH6 are known to be pathogenic (PMID: 18269114, 24362816). This variant is not present in population databases (gnomAD no frequency). This variant has not been reported in the literature in individuals affected with MSH6-related conditions. ClinVar contains an entry for this variant (Variation ID: 821595). For these reasons, this variant has been classified as Pathogenic.

Ambry Genetics
Classification: Pathogenic for Hereditary cancer-predisposing syndrome. Last evaluated: 2018-09-08. Review status: criteria provided, single submitter. Criteria: Ambry Variant Classification Scheme 2023. Collection method: clinical testing. Allele origin: germline.
Comment: The p.K888* pathogenic mutation (also known as c.2662A>T), located in coding exon 4 of the MSH6 gene, results from an A to T substitution at nucleotide position 2662. This changes the amino acid from a lysine to a stop codon within coding exon 4. This alteration is expected to result in loss of function by premature protein truncation or nonsense-mediated mRNA decay. As such, this alteration is interpreted as a disease-causing mutation.

Literature cited by the submitters: PubMed 18269114 (cited by Labcorp Genetics (formerly Invitae), Labcorp); PubMed 24362816 (cited by Labcorp Genetics (formerly Invitae), Labcorp).